The following is an entry in ClinVar:

NM_016507.4(CDK12):c.1259C>T (p.Ser420Phe)

Gene: CDK12 (cyclin dependent kinase 12; plus strand). Cytogenetic location: 17q12.
Variant type: single nucleotide variant.
Coding change: c.1259C>T on transcript NM_016507.4 (MANE Select); coding-DNA position 1259, C replaced by T.
Protein change: p.Ser420Phe; replaces serine 420 with phenylalanine.
Molecular consequence: missense variant.
Genome position (GRCh38, 1-based): chr17:39,471,091, C>T. VCF-style: chr17-39471091-C-T. GRCh37 (hg19) VCF-style: chr17-37627344-C-T.
Other names: c.1259C>T, p.Ser420Phe (NM_015083.4); short protein forms S420F.
Identifiers: ClinVar variation 4224463 (VCV004224463.1).

ClinVar aggregate classification (germline): Uncertain significance (1 of 4 stars; one submission).

Submission:

Ambry Genetics
Classification: Uncertain significance. Last evaluated: 2025-09-11. Review status: criteria provided, single submitter. Criteria: Ambry Variant Classification Scheme 2023. Collection method: clinical testing. Allele origin: germline.
Comment: The p.S420F variant (also known as c.1259C>T), located in coding exon 2 of the CDK12 gene, results from a C to T substitution at nucleotide position 1259. The serine at codon 420 is replaced by phenylalanine, an amino acid with highly dissimilar properties. This amino acid position is conserved. In addition, this alteration is predicted to be tolerated by in silico analysis. Based on the available evidence, the clinical significance of this variant remains unclear.